The following is an entry in ClinVar:

ClinVar aggregate classification (germline): Uncertain significance (1 of 4 stars; one submission).

Submission:

Labcorp Genetics (formerly Invitae), Labcorp
Classification: Uncertain significance. Last evaluated: 2025-12-01. Review status: criteria provided, single submitter. Criteria: Invitae Variant Classification Sherloc (09022015). Collection method: clinical testing. Allele origin: germline.
Comment: This sequence change replaces histidine, which is basic and polar, with tyrosine, which is neutral and polar, at codon 465 of the ASXL1 protein (p.His465Tyr). This variant is not present in population databases (gnomAD no frequency). This variant has not been reported in the literature in individuals affected with ASXL1-related conditions. ClinVar contains an entry for this variant (Variation ID: 3693235). An algorithm developed to predict the effect of missense changes on protein structure and function (PolyPhen-2) suggests that this variant is likely to be tolerated. In summary, the available evidence is currently insufficient to determine the role of this variant in disease. Therefore, it has been classified as a Variant of Uncertain Significance.

NM_015338.6(ASXL1):c.1393C>T (p.His465Tyr)

Gene: ASXL1 (ASXL transcriptional regulator 1; plus strand). Cytogenetic location: 20q11.21.
Variant type: single nucleotide variant.
Coding change: c.1393C>T on transcript NM_015338.6 (MANE Select); coding-DNA position 1393, C replaced by T.
Protein change: p.His465Tyr; replaces histidine 465 with tyrosine.
Molecular consequence: missense variant.
Genome position (GRCh38, 1-based): chr20:32,433,591, C>T. VCF-style: chr20-32433591-C-T. GRCh37 (hg19) VCF-style: chr20-31021394-C-T.
Other names: c.1210C>T, p.His404Tyr (NM_001363734.1); short protein forms H465Y, H404Y.
Identifiers: ClinVar variation 3693235 (VCV003693235.2).
Genomic context (GRCh38, chr20:32,433,591, plus strand): 5'-GATGTTCCCCTCTACAAGGATGGGGAGGCTAAGACTGACCCAGCAGGGCTGAGCAGTCCC[C>T]ATCTGCCAGGCACATCCTCTGCAGCACCCGACCTGGAGGGTCCCGAATTCCCAGTTGAGT-3'
Protein context (NP_056153.2, residues 455-475): KTDPAGLSSP[His465Tyr]LPGTSSAAPD